The following is an entry in ClinVar:

NM_001084.5(PLOD3):c.949C>T (p.Arg317Trp)

Gene: PLOD3 (procollagen-lysine,2-oxoglutarate 5-dioxygenase 3; minus strand). Cytogenetic location: 7q22.1.
Variant type: single nucleotide variant.
Coding change: c.949C>T on transcript NM_001084.5 (MANE Select); coding-DNA position 949, C replaced by T.
Protein change: p.Arg317Trp; replaces arginine 317 with tryptophan.
Molecular consequence: missense variant.
Genome position (GRCh38, 1-based): chr7:101,212,586, G>A on the plus strand (C>T on the coding strand, the complement: PLOD3 is on the minus strand). VCF-style: chr7-101212586-G-A. GRCh37 (hg19) VCF-style: chr7-100855867-G-A.
Other names: short protein forms R317W.
Identifiers: ClinVar variation 1441815 (VCV001441815.4), dbSNP rs1258773963, ClinGen allele CA368619464.

ClinVar aggregate classification (germline): Uncertain significance (1 of 4 stars; one submission).

Allele frequency attached by ClinVar (database versions not stated): gnomAD exomes below 0.00001 and 0.00001; TOPMed below 0.00001; gnomAD 0.00001.
gnomAD v4.1: 10 of 1,613,670 alleles (0.00062%); highest among the groups gnomAD compares: South Asian, 0.0033%; no homozygotes.

Submission:

Labcorp Genetics (formerly Invitae), Labcorp
Classification: Uncertain significance. Last evaluated: 2023-12-06. Review status: criteria provided, single submitter. Criteria: Invitae Variant Classification Sherloc (09022015). Collection method: clinical testing. Allele origin: germline.
Comment: This sequence change replaces arginine, which is basic and polar, with tryptophan, which is neutral and slightly polar, at codon 317 of the PLOD3 protein (p.Arg317Trp). This variant is present in population databases (no rsID available, gnomAD 0.003%). This variant has not been reported in the literature in individuals affected with PLOD3-related conditions. ClinVar contains an entry for this variant (Variation ID: 1441815). Advanced modeling of protein sequence and biophysical properties (such as structural, functional, and spatial information, amino acid conservation, physicochemical variation, residue mobility, and thermodynamic stability) performed at Invitae indicates that this missense variant is not expected to disrupt PLOD3 protein function with a negative predictive value of 80%. In summary, the available evidence is currently insufficient to determine the role of this variant in disease. Therefore, it has been classified as a Variant of Uncertain Significance.